The following is an entry in ClinVar:

ClinVar aggregate classification (germline): Uncertain significance (1 of 4 stars; one submission).

Conditions:
Charcot-Marie-Tooth disease type 2. Also called: Charcot-Marie-Tooth type 2. Identifiers: Orphanet 64746, MedGen C0270914, MONDO:0018993.

Submission:

Labcorp Genetics (formerly Invitae), Labcorp
Classification: Uncertain significance for Charcot-Marie-Tooth disease type 2. Last evaluated: 2022-03-25. Review status: criteria provided, single submitter. Criteria: Invitae Variant Classification Sherloc (09022015). Collection method: clinical testing. Allele origin: germline.
Comment: This sequence change replaces glutamine, which is neutral and polar, with histidine, which is basic and polar, at codon 305 of the LMNA protein (p.Gln305His). This variant is not present in population databases (gnomAD no frequency). This variant has not been reported in the literature in individuals affected with LMNA-related conditions. Algorithms developed to predict the effect of missense changes on protein structure and function are either unavailable or do not agree on the potential impact of this missense change (SIFT: "Deleterious"; PolyPhen-2: "Benign"; Align-GVGD: "Class C15"). In summary, the available evidence is currently insufficient to determine the role of this variant in disease. Therefore, it has been classified as a Variant of Uncertain Significance.

NM_170707.4(LMNA):c.915G>C (p.Gln305His)

Gene: LMNA (lamin A/C; plus strand). Cytogenetic location: 1q22.
Variant type: single nucleotide variant.
Coding change: c.915G>C on transcript NM_170707.4 (MANE Select); coding-DNA position 915, G replaced by C.
Protein change: p.Gln305His; replaces glutamine 305 with histidine.
Molecular consequence: missense variant.
Genome position (GRCh38, 1-based): chr1:156,135,291, G>C. VCF-style: chr1-156135291-G-C. GRCh37 (hg19) VCF-style: chr1-156105082-G-C.
Other names: c.579G>C, p.Gln193His (NM_001257374.3, NM_001406989.1, NM_001406998.1); c.672G>C, p.Gln224His (NM_001282624.2, NM_001406986.1, NM_001406987.1); c.915G>C, p.Gln305His (NM_001282625.2, NM_001282626.2, NM_001406983.1 and 6 more transcripts); c.618G>C, p.Gln206His (NM_001406988.1); c.357G>C, p.Gln119His (NM_001406990.1, NM_001406993.1, NM_001406995.1 and 4 more transcripts); c.251G>C, p.Ser84Thr (NM_001406994.1, NM_001406999.1, NM_001407000.1 and 1 more transcripts); short protein forms Q119H, Q193H, Q224H, Q305H, Q206H, S84T.
Identifiers: ClinVar variation 2116675 (VCV002116675.4), dbSNP rs2527981369, ClinGen allele CA342817911.